The following is an entry in ClinVar:

NM_001253697.2(ERBIN):c.1246G>A (p.Glu416Lys)

Gene: ERBIN (erbb2 interacting protein; plus strand). Cytogenetic location: 5q12.3.
Variant type: single nucleotide variant.
Coding change: c.1246G>A on transcript NM_001253697.2 (MANE Select); coding-DNA position 1246, G replaced by A.
Protein change: p.Glu416Lys; replaces glutamic acid 416 with lysine.
Molecular consequence: missense variant.
Genome position (GRCh38, 1-based): chr5:66,038,422, G>A. VCF-style: chr5-66038422-G-A. GRCh37 (hg19) VCF-style: chr5-65334250-G-A.
Other names: c.1246G>A, p.Glu416Lys (NM_001006600.3, NM_001253698.2, NM_001253699.2 and 2 more transcripts); short protein forms E416K.
Identifiers: ClinVar variation 1972420 (VCV001972420.5), dbSNP rs2546761061, ClinGen allele CA359976011.
Genomic context (GRCh38, chr5:66,038,422, plus strand): 5'-GCATTTATTTTCCTTCTCTAGTCCAAACCCCTGATACCTCTTCAAAAAGAAACTGATTCA[G>A]AGACCCAGAAAATGGTGCTTACCAACTACATGTTCCCTCAACAGCCAAGGACTGAGGATG-3'
Protein context (NP_001240626.1, residues 406-426): LIPLQKETDS[Glu416Lys]TQKMVLTNYM

ClinVar aggregate classification (germline): Uncertain significance (1 of 4 stars; one submission).

Allele frequency attached by ClinVar (database versions not stated): gnomAD exomes below 0.00001.
gnomAD v4.1: 2 of 1,612,268 alleles (0.00012%); highest among the groups gnomAD compares: Non-Finnish European, 0.00017%; no homozygotes.

Submission:

Labcorp Genetics (formerly Invitae), Labcorp
Classification: Uncertain significance. Last evaluated: 2024-02-17. Review status: criteria provided, single submitter. Criteria: Invitae Variant Classification Sherloc (09022015). Collection method: clinical testing. Allele origin: germline.
Comment: This sequence change replaces glutamic acid, which is acidic and polar, with lysine, which is basic and polar, at codon 416 of the ERBIN protein (p.Glu416Lys). This variant is not present in population databases (gnomAD no frequency). This variant has not been reported in the literature in individuals affected with ERBIN-related conditions. ClinVar contains an entry for this variant (Variation ID: 1972420). An algorithm developed to predict the effect of missense changes on protein structure and function (PolyPhen-2) suggests that this variant is likely to be tolerated. In summary, the available evidence is currently insufficient to determine the role of this variant in disease. Therefore, it has been classified as a Variant of Uncertain Significance.